The following is an entry in ClinVar:

ClinVar aggregate classification (germline): Likely pathogenic (1 of 4 stars; one submission).

Submission:

Dasa
Classification: Likely pathogenic. Last evaluated: 2024-06-18. Review status: criteria provided, single submitter. Criteria: DASA Assertion Criteria. Collection method: clinical testing. Allele origin: germline.
Comment: NM_003467.3(CXCR4):c.962_963insTGTC (p.Arg322Valfs*23) is a frameshift variant in CXCR4 predicted to alter the reading frame and introduce a premature termination codon and is predicted to result in an absent or altered protein product. Loss of function is an established disease mechanism for CXCR4-associated disorders. Also, this variant is rare in population databases. Based on the currently available evidence, this variant is classified as likely pathogenic.

NM_003467.3(CXCR4):c.962_963insTGTC (p.Arg322fs)

Gene: CXCR4 (C-X-C motif chemokine receptor 4; minus strand). Cytogenetic location: 2q22.1.
Variant type: Insertion.
Coding change: c.962_963insTGTC on transcript NM_003467.3 (MANE Select); coding-DNA positions 962 to 963, TGTC inserted.
Protein change: p.Arg322fs; shifts the reading frame from arginine 322.
Molecular consequence: frameshift variant.
Genome position: GRCh38 VCF-style: chr2-136114965-G-GGACA. GRCh37 (hg19) VCF-style: chr2-136872535-G-GGACA.
Other names: c.974_975insTGTC, p.Arg326fs (NM_001008540.2); c.1175_1176insTGTC, p.Arg393fs (NM_001348056.2); c.1061_1062insTGTC, p.Arg355fs (NM_001348059.2); c.917_918insTGTC, p.Arg307fs (NM_001348060.2); short protein forms R307fs, R322fs, R326fs, R355fs, R393fs.
Identifiers: ClinVar variation 4880740 (VCV004880740.2).